The following is an entry in ClinVar:

NC_000015.9:g.(?_63333838)_(63359292_?)del

Gene: TPM1 (tropomyosin 1; plus strand). Cytogenetic location: 15q22.2.
Variant type: Deletion.
Identifiers: ClinVar variation 1041408 (VCV001041408.2).

ClinVar aggregate classification (germline): Uncertain significance (1 of 4 stars; one submission).

Conditions:
Hypertrophic cardiomyopathy. Also called: HYPERTROPHIC MYOCARDIOPATHY. Identifiers: Orphanet 217569, MedGen C0007194, MeSH D002312, MONDO:0005045, HP:0001639.

Submission:

Labcorp Genetics (formerly Invitae), Labcorp
Classification: Uncertain significance for Hypertrophic cardiomyopathy. Last evaluated: 2020-01-21. Review status: criteria provided, single submitter. Criteria: Invitae Variant Classification Sherloc (09022015). Collection method: clinical testing. Allele origin: germline.
Comment: A gross deletion of the genomic region encompassing the full coding sequence of the TPM1 gene has been identified. The boundaries of this event are unknown as the deletion extends beyond the assayed region for this gene and therefore may encompass additional genes. This variant has not been reported in the literature in individuals with TPM1-related conditions. The current clinical and genetic evidence is not sufficient to establish whether loss-of-function variants in TPM1 cause disease. In summary, the available evidence is currently insufficient to determine the role of this variant in disease. Therefore, it has been classified as a Variant of Uncertain Significance.